The following is an entry in ClinVar:

NM_000535.7(PMS2):c.2176C>T (p.Pro726Ser)

Gene: PMS2 (PMS1 homolog 2, mismatch repair system component; minus strand). Cytogenetic location: 7p22.1.
Variant type: single nucleotide variant.
Coding change: c.2176C>T on transcript NM_000535.7 (MANE Select); coding-DNA position 2176, C replaced by T.
Protein change: p.Pro726Ser; replaces proline 726 with serine.
Molecular consequence: missense variant. On other transcripts: non-coding transcript variant (1).
Genome position (GRCh38, 1-based): chr7:5,978,695, G>A on the plus strand (C>T on the coding strand, the complement: PMS2 is on the minus strand). VCF-style: chr7-5978695-G-A. GRCh37 (hg19) VCF-style: chr7-6018326-G-A.
Other names: c.1603C>T, p.Pro535Ser (NM_001322013.2); c.2176C>T, p.Pro726Ser (NM_001322014.2); c.1867C>T, p.Pro623Ser (NM_001322015.2); c.1771C>T, p.Pro591Ser (NM_001322003.2, NM_001322004.2, NM_001322005.2 and 1 more transcripts); c.2020C>T, p.Pro674Ser (NM_001322006.2); c.1858C>T, p.Pro620Ser (NM_001322007.2, NM_001322008.2); c.1615C>T, p.Pro539Ser (NM_001322010.2); c.1243C>T, p.Pro415Ser (NM_001322011.2, NM_001322012.2); short protein forms P726S, P415S, P620S, P674S, P539S, P623S, P591S, P535S.
Identifiers: ClinVar variation 484274 (VCV000484274.12), dbSNP rs1407555810, ClinGen allele CA366736988.

ClinVar aggregate classification (germline): Uncertain significance. Review status: criteria provided, multiple submitters, no conflicts (2 of 4 stars). 3 submissions from 3 submitters: Uncertain significance (3). Last evaluated 2026-08-18.

Conditions:
Hereditary nonpolyposis colorectal neoplasms. Identifiers: MedGen C0009405, MeSH D003123.
Hereditary cancer-predisposing syndrome. Also called: Neoplastic Syndromes, Hereditary; Hereditary neoplastic syndrome; Hereditary Cancer Syndrome; Tumor predisposition. Identifiers: Orphanet 140162, MedGen C0027672, MeSH D009386, MONDO:0015356.
Lynch syndrome 4 (LYNCH4). Also called: Colorectal cancer, hereditary nonpolyposis, type 4; Hereditary non-polyposis colorectal cancer, type 4. Identifiers: Orphanet 144, MedGen C1838333, MONDO:0013699, OMIM 614337. Disease mechanism: loss of function.

Submissions (3):

Ambry Genetics
Classification: Uncertain significance for Hereditary cancer-predisposing syndrome. Last evaluated: 2026-08-18. Review status: criteria provided, single submitter. Criteria: Ambry Variant Classification Scheme 2023. Collection method: clinical testing. Allele origin: germline.
Comment: The p.P726S variant (also known as c.2176C>T), located in coding exon 13 of the PMS2 gene, results from a C to T substitution at nucleotide position 2176. The proline at codon 726 is replaced by serine, an amino acid with similar properties. This amino acid position is highly conserved in available vertebrate species. In addition, this alteration is predicted to be deleterious by in silico analysis. Based on the available evidence, the clinical significance of this variant remains unclear.

Labcorp Genetics (formerly Invitae), Labcorp
Classification: Uncertain significance for Hereditary nonpolyposis colorectal neoplasms. Last evaluated: 2022-05-24. Review status: criteria provided, single submitter. Criteria: Invitae Variant Classification Sherloc (09022015). Collection method: clinical testing. Allele origin: germline.
Comment: This sequence change replaces proline, which is neutral and non-polar, with serine, which is neutral and polar, at codon 726 of the PMS2 protein (p.Pro726Ser). The frequency data for this variant in the population databases (gnomAD) is considered unreliable due to the presence of homologous sequence, such as pseudogenes or paralogs, in the genome. This variant has not been reported in the literature in individuals affected with PMS2-related conditions. ClinVar contains an entry for this variant (Variation ID: 484274). Algorithms developed to predict the effect of missense changes on protein structure and function (SIFT, PolyPhen-2, Align-GVGD) all suggest that this variant is likely to be disruptive. Algorithms developed to predict the effect of sequence changes on RNA splicing suggest that this variant may create or strengthen a splice site. In summary, the available evidence is currently insufficient to determine the role of this variant in disease. Therefore, it has been classified as a Variant of Uncertain Significance.

Department of Pathology and Laboratory Medicine, Sinai Health System
Classification: Uncertain significance for Lynch syndrome 4. Last evaluated: 2020-02-27. Review status: criteria provided, single submitter. Criteria: ACMG Guidelines, 2015. Collection method: clinical testing. Allele origin: germline. Affected: yes.